The following is an entry in ClinVar:

ClinVar aggregate classification (germline): Uncertain significance. Review status: criteria provided, multiple submitters, no conflicts (2 of 4 stars). 4 submissions from 4 submitters: Uncertain significance (4). Last evaluated 2025-05-03.

Conditions:
Familial thoracic aortic aneurysm and aortic dissection (TAAD). Also called: Thoracic aortic aneurysms and dissections. Identifiers: Orphanet 91387, MedGen C4707243, MONDO:0019625.
Ehlers-Danlos syndrome, type 4 (EDSVASC). Also called: Ehlers-Danlos syndrome vascular type; Ehlers Danlos syndrome, ecchymotic type; Ehlers Danlos syndrome, arterial type; Ehlers Danlos syndrome, Sack-Barabas type; Ehlers-Danlos Syndrome Type IV. Identifiers: Orphanet 286, MedGen C0268338, MONDO:0017314, OMIM 130050.

gnomAD v4.1: 2 of 1,613,210 alleles (0.00012%); highest among the groups gnomAD compares: Non-Finnish European, 0.00017%; no homozygotes.

Submissions (4):

Ambry Genetics
Classification: Uncertain significance for Familial thoracic aortic aneurysm and aortic dissection. Last evaluated: 2025-05-03. Review status: criteria provided, single submitter. Criteria: Ambry Variant Classification Scheme 2023. Collection method: clinical testing. Allele origin: germline.
Comment: The p.E232A variant (also known as c.695A>C), located in coding exon 9 of the COL3A1 gene, results from an A to C substitution at nucleotide position 695. The glutamic acid at codon 232 is replaced by alanine, an amino acid with dissimilar properties. This amino acid position is highly conserved in available vertebrate species. In addition, this alteration is predicted to be deleterious by in silico analysis. Based on the available evidence, the clinical significance of this variant remains unclear.

Color Diagnostics, LLC DBA Color Health
Classification: Uncertain significance for Familial thoracic aortic aneurysm and aortic dissection. Last evaluated: 2025-01-13. Review status: criteria provided, single submitter. Criteria: ACMG Guidelines, 2015. Collection method: clinical testing. Allele origin: germline.
Comment: This missense variant replaces glutamic acid with alanine at codon 232 of the COL3A1 protein. Computational prediction suggests that this variant may have a deleterious impact on protein structure and function. To our knowledge, functional studies have not been reported for this variant. This variant has not been reported in individuals affected with COL3A1-related disorders in the literature. This variant has been identified in 1/250822 chromosomes in the general population by the Genome Aggregation Database (gnomAD). The available evidence is insufficient to determine the role of this variant in disease conclusively. Therefore, this variant is classified as a Variant of Uncertain Significance.

All of Us Research Program, National Institutes of Health
Classification: Uncertain significance for Ehlers-Danlos syndrome, type 4. Last evaluated: 2024-09-23. Review status: criteria provided, single submitter. Criteria: ACMG Guidelines, 2015. Collection method: clinical testing. Allele origin: germline. Inheritance: Autosomal dominant inheritance. Observed: 1 variant allele, 1 heterozygote.
Comment: This study involves interpretation of variants in research participants for the purpose of population health screening. Participant phenotype was not available at the time of variant classification. Additional details can be found in publication PMID: 35346344, PMCID: PMC8962531

Labcorp Genetics (formerly Invitae), Labcorp
Classification: Uncertain significance for Ehlers-Danlos syndrome, type 4. Last evaluated: 2024-07-08. Review status: criteria provided, single submitter. Criteria: Invitae Variant Classification Sherloc (09022015). Collection method: clinical testing. Allele origin: germline.
Comment: This sequence change replaces glutamic acid, which is acidic and polar, with alanine, which is neutral and non-polar, at codon 232 of the COL3A1 protein (p.Glu232Ala). This variant is present in population databases (rs774467247, gnomAD 0.0009%). This variant has not been reported in the literature in individuals affected with COL3A1-related conditions. Advanced modeling of protein sequence and biophysical properties (such as structural, functional, and spatial information, amino acid conservation, physicochemical variation, residue mobility, and thermodynamic stability) performed at Invitae indicates that this missense variant is not expected to disrupt COL3A1 protein function with a negative predictive value of 95%. In summary, the available evidence is currently insufficient to determine the role of this variant in disease. Therefore, it has been classified as a Variant of Uncertain Significance.

NM_000090.4(COL3A1):c.695A>C (p.Glu232Ala)

Gene: COL3A1 (collagen type III alpha 1 chain; plus strand). Cytogenetic location: 2q32.2.
Variant type: single nucleotide variant.
Coding change: c.695A>C on transcript NM_000090.4 (MANE Select); coding-DNA position 695, A replaced by C.
Protein change: p.Glu232Ala; replaces glutamic acid 232 with alanine.
Molecular consequence: missense variant.
Genome position (GRCh38, 1-based): chr2:188,990,100, A>C. VCF-style: chr2-188990100-A-C. GRCh37 (hg19) VCF-style: chr2-189854826-A-C.
Other names: short protein forms E232A.
Identifiers: ClinVar variation 3386436 (VCV003386436.5).